The following is an entry in ClinVar:

ClinVar aggregate classification (germline): Benign (1 of 4 stars; one submission).

Conditions:
Mendelian susceptibility to mycobacterial diseases due to complete IL12B deficiency. Also called: IL12B DEFICIENCY; Immunodeficiency 29. Identifiers: Orphanet 319558, MedGen C4013948, MONDO:0013954, OMIM 614890.

Allele frequency attached by ClinVar (database versions not stated): 1000 Genomes Project 30x 0.01171; gnomAD exomes 0.01184; 1000 Genomes Project 0.01198; TOPMed 0.02104; gnomAD 0.02111 and 0.02185.
gnomAD v4.1: 3,244 of 153,866 alleles (2.1%); highest among the groups gnomAD compares: Middle Eastern, 3%; 40 homozygotes.

Submission:

Illumina Laboratory Services, Illumina
Classification: Benign for Mendelian susceptibility to mycobacterial diseases due to complete IL12B deficiency. Last evaluated: 2017-04-27. Review status: criteria provided, single submitter. Criteria: ICSL Variant Classification Criteria 13 December 2019. Collection method: clinical testing. Allele origin: germline.
Comment: This variant was observed as part of a predisposition screen in an ostensibly healthy population. A literature search was performed for the gene, cDNA change, and amino acid change (where applicable). Publications were found based on this search. The evidence from the literature, in combination with allele frequency data from public databases where available, was sufficient to rule this variant out of causing disease. Therefore, this variant is classified as benign.

Literature cited by the submitters: PubMed 22739501.

NM_002187.3(IL12B):c.*1G>A

Gene: IL12B (interleukin 12B; minus strand). Cytogenetic location: 5q33.3.
Variant type: single nucleotide variant.
Coding change: c.*1G>A on transcript NM_002187.3 (MANE Select); 1 bases downstream of the stop codon, G replaced by A.
Molecular consequence: 3 prime UTR variant.
Genome position (GRCh38, 1-based): chr5:159,316,100, C>T on the plus strand (G>A on the coding strand, the complement: IL12B is on the minus strand). VCF-style: chr5-159316100-C-T. GRCh37 (hg19) VCF-style: chr5-158743108-C-T.
Identifiers: ClinVar variation 904116 (VCV000904116.4), dbSNP rs3213120, ClinGen allele CA12014472.